The following is an entry in ClinVar:

NM_000435.3(NOTCH3):c.1374G>A (p.Met458Ile)

Gene: NOTCH3 (notch receptor 3; minus strand). Cytogenetic location: 19p13.12.
Variant type: single nucleotide variant.
Coding change: c.1374G>A on transcript NM_000435.3 (MANE Select); coding-DNA position 1374, G replaced by A.
Protein change: p.Met458Ile; replaces methionine 458 with isoleucine.
Molecular consequence: missense variant.
Genome position (GRCh38, 1-based): chr19:15,188,993, C>T on the plus strand (G>A on the coding strand, the complement: NOTCH3 is on the minus strand). VCF-style: chr19-15188993-C-T. GRCh37 (hg19) VCF-style: chr19-15299804-C-T.
Other names: short protein forms M458I.
Identifiers: ClinVar variation 3768745 (VCV003768745.1).

ClinVar aggregate classification (germline): Uncertain significance (1 of 4 stars; one submission).

gnomAD v4.1: 1 of 1,610,024 alleles (0.000062%); no homozygotes.

Submission:

Women's Health and Genetics/Laboratory Corporation of America, LabCorp
Classification: Uncertain significance. Last evaluated: 2025-02-05. Review status: criteria provided, single submitter. Criteria: LabCorp Variant Classification Summary - May 2015. Collection method: clinical testing. Allele origin: germline.
Comment: Variant summary: NOTCH3 c.1374G>A (p.Met458Ile) results in a conservative amino acid change in the encoded protein sequence. Four of five in-silico tools predict a damaging effect of the variant on protein function. The variant allele was found at a frequency of 4.2e-06 in 240458 control chromosomes. The available data on variant occurrences in the general population are insufficient to allow any conclusion about variant significance. To our knowledge, no occurrence of c.1374G>A in individuals affected with Cerebral arteriopathy, autosomal dominant, with subcortical infarcts and leukoencephalopathy, type 1 and no experimental evidence demonstrating its impact on protein function have been reported. No submitters have cited clinical-significance assessments for this variant to ClinVar. Based on the evidence outlined above, the variant was classified as uncertain significance.